The following is an entry in ClinVar:

NM_000093.5(COL5A1):c.1418del (p.Pro473fs)

Gene: COL5A1 (collagen type V alpha 1 chain; plus strand). Cytogenetic location: 9q34.3.
Variant type: Deletion.
Coding change: c.1418del on transcript NM_000093.5 (MANE Select); coding-DNA position 1418, one base deleted (C; older notation c.1418delC).
Protein change: p.Pro473fs; shifts the reading frame from proline 473.
Molecular consequence: frameshift variant.
Genome position (GRCh38, 1-based): chr9:134,738,502, C deleted; the last of 3 consecutive C bases (chr9:134,738,500-134,738,502); deleting any one gives the same sequence. VCF-style (leftmost placement, unchanged base first): chr9-134738499-GC-G. GRCh37 (hg19) VCF-style: chr9-137630345-GC-G.
Other names: c.1418del, p.Pro473fs (NM_001278074.1); short protein forms P473fs.
Identifiers: ClinVar variation 4709717 (VCV004709717.1).

ClinVar aggregate classification (germline): Pathogenic (1 of 4 stars; one submission).

Conditions:
Ehlers-Danlos syndrome, classic type, 1 (EDSCL1). Also called: EHLERS-DANLOS SYNDROME, GRAVIS TYPE; EHLERS-DANLOS SYNDROME, SEVERE CLASSIC TYPE; Ehlers-Danlos syndrome, type 1; Ehlers-Danlos Syndrome, Classic Type, COL5A1-Related; EDS I. Identifiers: MedGen C0268335, MONDO:0019567, OMIM 130000.

Submission:

Labcorp Genetics (formerly Invitae), Labcorp
Classification: Pathogenic for Ehlers-Danlos syndrome, classic type, 1. Last evaluated: 2025-06-12. Review status: criteria provided, single submitter. Criteria: Invitae Variant Classification Sherloc (09022015). Collection method: clinical testing. Allele origin: germline.
Comment: This sequence change creates a premature translational stop signal (p.Pro473Glnfs*85) in the COL5A1 gene. It is expected to result in an absent or disrupted protein product. Loss-of-function variants in COL5A1 are known to be pathogenic (PMID: 23587214). This variant is not present in population databases (gnomAD no frequency). This premature translational stop signal has been observed in individual(s) with Ehlers-Danlos syndrome (PMID: 22696272). For these reasons, this variant has been classified as Pathogenic.

Literature cited by the submitters: PubMed 23587214; PubMed 22696272.